The following is an entry in ClinVar:

NM_000089.4(COL1A2):c.2944-4A>T

Gene: COL1A2 (collagen type I alpha 2 chain; plus strand). Cytogenetic location: 7q21.3.
Variant type: single nucleotide variant.
Coding change: c.2944-4A>T on transcript NM_000089.4 (MANE Select); 4 bases into the intron before coding-DNA position 2944, A replaced by T.
Molecular consequence: intron variant.
Genome position (GRCh38, 1-based): chr7:94,425,994, A>T. VCF-style: chr7-94425994-A-T. GRCh37 (hg19) VCF-style: chr7-94055306-A-T.
Identifiers: ClinVar variation 288556 (VCV000288556.14), dbSNP rs143220941, ClinGen allele CA4347620.

ClinVar aggregate classification (germline): Conflicting classifications of pathogenicity. Review status: criteria provided, conflicting classifications (1 of 4 stars). 4 submissions from 4 submitters: Uncertain significance (1); Likely benign (3). Last evaluated 2025-01-13.

Conditions:
Osteogenesis imperfecta type I (OI1). Also called: Lobstein's Disease; OI, TYPE I; OSTEOGENESIS IMPERFECTA TARDA; OSTEOGENESIS IMPERFECTA WITH BLUE SCLERAE; Lobstein disease; Classic Non-deforming Osteogenesis Imperfecta with Blue Sclerae. Identifiers: Orphanet 216796, Orphanet 666, MedGen C0023931, MONDO:0008146, OMIM 166200. Disease mechanism: loss of function.
Ehlers-Danlos syndrome, classic type, 1 (EDSCL1). Also called: Ehlers-Danlos syndrome, type 1; EHLERS-DANLOS SYNDROME, GRAVIS TYPE; EHLERS-DANLOS SYNDROME, SEVERE CLASSIC TYPE; Ehlers-Danlos Syndrome, Classic Type, COL5A1-Related; EDS I. Identifiers: MedGen C0268335, MONDO:0019567, OMIM 130000.
Cardiovascular phenotype. Identifiers: MedGen CN230736.

Allele frequency attached by ClinVar (database versions not stated): gnomAD exomes below 0.00001 and 0.00002; 1000 Genomes Project 30x 0.00016; ESP Exome Variant Server 0.00008; ExAC 0.00002; gnomAD 0.00001; TOPMed 0.00001; 1000 Genomes Project 0.00020.
gnomAD v4.1: 7 of 1,614,010 alleles (0.00043%); highest among the groups gnomAD compares: Non-Finnish European, 0.00059%; no homozygotes.

Submissions (4):

Labcorp Genetics (formerly Invitae), Labcorp
Classification: Likely benign for Osteogenesis imperfecta type I; Ehlers-Danlos syndrome, classic type, 1. Last evaluated: 2025-01-13. Review status: criteria provided, single submitter. Criteria: Invitae Variant Classification Sherloc (09022015). Collection method: clinical testing. Allele origin: germline.

Ambry Genetics
Classification: Likely benign for Cardiovascular phenotype. Last evaluated: 2024-03-11. Review status: criteria provided, single submitter. Criteria: Ambry Variant Classification Scheme 2023. Collection method: clinical testing. Allele origin: germline.

GeneDx
Classification: Likely benign. Last evaluated: 2017-11-07. Review status: criteria provided, single submitter. Criteria: GeneDx Variant Classification (06012015). Collection method: clinical testing. Allele origin: germline. Affected: yes.
Comment: This variant is considered likely benign or benign based on one or more of the following criteria: it is a conservative change, it occurs at a poorly conserved position in the protein, it is predicted to be benign by multiple in silico algorithms, and/or has population frequency not consistent with disease.

Eurofins Ntd Llc (ga)
Classification: Uncertain significance. Last evaluated: 2016-07-12. Review status: criteria provided, single submitter. Criteria: EGL Classification Definitions 2015. Collection method: clinical testing. Allele origin: germline. Observed: 1 variant allele, 1 heterozygote.